The following is an entry in ClinVar:

NM_144643.4(SCLT1):c.1631A>G (p.Lys544Arg)

Gene: SCLT1 (sodium channel and clathrin linker 1; minus strand). Cytogenetic location: 4q28.2.
Variant type: single nucleotide variant.
Coding change: c.1631A>G on transcript NM_144643.4 (MANE Select); coding-DNA position 1631, A replaced by G.
Protein change: p.Lys544Arg; replaces lysine 544 with arginine.
Molecular consequence: missense variant. On other transcripts: intron variant (1).
Genome position (GRCh38, 1-based): chr4:128,942,997, T>C on the plus strand (A>G on the coding strand, the complement: SCLT1 is on the minus strand). VCF-style: chr4-128942997-T-C. GRCh37 (hg19) VCF-style: chr4-129864152-T-C.
Other names: c.1439+3010A>G (NM_001410807.1); short protein forms K544R.
Identifiers: ClinVar variation 3671059 (VCV003671059.3).
Genomic context (GRCh38, chr4:128,942,997, plus strand): 5'-AAATATTCTCTATACTTTGATTTTCATAAGTACACATTTAACTCTAGTCTTGAAAATACC[T>C]TTACTTTGGCTTTTTTTTGAGCCTCCAGGGCAATCTTCCTTAAACTCTCAGTCTCTTTCC-3'
Protein context (NP_653244.2, residues 534-554): ALEAQKKAKV[Lys544Arg]ISTMEHEFSI

ClinVar aggregate classification (germline): Pathogenic/Likely pathogenic. Review status: criteria provided, multiple submitters, no conflicts (2 of 4 stars). 2 submissions from 2 submitters: Pathogenic (1); Likely pathogenic (1). Last evaluated 2025-06-06.

Conditions:
Retinal dystrophy. Also called: Inherited retinal dystrophy. Identifiers: Orphanet 71862, MedGen C0854723, MeSH D058499, MONDO:0019118, HP:0000556.

gnomAD v4.1: 32 of 1,602,268 alleles (0.002%); highest among the groups gnomAD compares: East Asian, 0.067%; no homozygotes.

Submissions (2):

Ocular Genomics Institute, Massachusetts Eye and Ear
Classification: Likely pathogenic for Retinal dystrophy. Last evaluated: 2025-06-06. Review status: criteria provided, single submitter. Criteria: ACMG Guidelines, 2015. Collection method: research, in vitro. Allele origin: germline, not applicable. Affected: yes. Observed: 3 variant alleles. Functional consequence: splicing variant.
Comment: The NM_144643.4 c.1631A>G, p.(Lys544Arg) is a missense variant in SCLT1. Functional studies performed by our group and others confirmed partial splicing defect for this variant (mainly exon 17 skipping), which is predicted to result in a premature stop codon (p.Asp480Glufs*11), and likely lead to an absent or disrupted protein product (PS3). This variant was found in other three unrelated probands from East Asia (Japan and South Korea) with non-syndromic retinal degeneration. In all these cases, the variant was found in trans with a pathogenic variant (PM3sup). This variant is rare in GnomADv4 (PM2), it cosegregates with disease in multiple affected family members in a gene known to cause disease (PP1), and its deleteriousness is predicted by multiple lines of computational evidence (PP3).

Labcorp Genetics (formerly Invitae), Labcorp
Classification: Pathogenic. Last evaluated: 2025-01-03. Review status: criteria provided, single submitter. Criteria: Invitae Variant Classification Sherloc (09022015). Collection method: clinical testing. Allele origin: germline.
Comment: This sequence change replaces lysine, which is basic and polar, with arginine, which is basic and polar, at codon 544 of the SCLT1 protein (p.Lys544Arg). This variant is present in population databases (rs762215370, gnomAD 0.01%). This missense change has been observed in individuals with Bardet-Biedl syndrome (PMID: 30425282, 32253632). An algorithm developed to predict the effect of missense changes on protein structure and function (PolyPhen-2) suggests that this variant is likely to be disruptive. Studies have shown that this missense change is associated with altered splicing resulting in multiple RNA products (PMID: 30425282). For these reasons, this variant has been classified as Pathogenic.

Literature cited by the submitters: PubMed 30425282 (cited by Ocular Genomics Institute, Massachusetts Eye and Ear and Labcorp Genetics (formerly Invitae), Labcorp); PubMed 32253632 (cited by Labcorp Genetics (formerly Invitae), Labcorp).